The following is an entry in ClinVar:

ClinVar aggregate classification (germline): Benign (1 of 4 stars; one submission).

Conditions:
Melanoma, cutaneous malignant, susceptibility to, 5. Also called: Cutaneous malignant melanoma 5. Identifiers: Orphanet 618, MedGen C2751295, MONDO:0013133, OMIM 613099.

Allele frequency attached by ClinVar (database versions not stated): gnomAD 0.00090 and 0.00097; TOPMed 0.00104; 1000 Genomes Project 30x 0.00172; 1000 Genomes Project 0.00200.
gnomAD v4.1: 188 of 621,938 alleles (0.03%); highest among the groups gnomAD compares: African/African-American, 0.29%; no homozygotes.

Submission:

Illumina Laboratory Services, Illumina
Classification: Benign for Melanoma, cutaneous malignant, susceptibility to, 5. Last evaluated: 2018-01-12. Review status: criteria provided, single submitter. Criteria: ICSL Variant Classification Criteria 13 December 2019. Collection method: clinical testing. Allele origin: germline.
Comment: This variant was observed in the ICSL laboratory as part of a predisposition screen in an ostensibly healthy population. It had not been previously curated by ICSL or reported in the Human Gene Mutation Database (HGMD: prior to June 1st, 2018), and was therefore a candidate for classification through an automated scoring system. Utilizing variant allele frequency, disease prevalence and penetrance estimates, and inheritance mode, an automated score was calculated to assess if this variant is too frequent to cause the disease. Based on the score and internal cut-off values, a variant classified as benign is not then subjected to further curation. The score for this variant resulted in a classification of benign for this disease.

NM_002386.4(MC1R):c.*209C>A

Gene: MC1R (melanocortin 1 receptor; plus strand). Cytogenetic location: 16q24.3.
Variant type: single nucleotide variant.
Coding change: c.*209C>A on transcript NM_002386.4 (MANE Select); 209 bases downstream of the stop codon, C replaced by A.
Molecular consequence: 3 prime UTR variant.
Genome position (GRCh38, 1-based): chr16:89,920,421, C>A. VCF-style: chr16-89920421-C-A. GRCh37 (hg19) VCF-style: chr16-89986829-C-A.
Identifiers: ClinVar variation 886793 (VCV000886793.4), dbSNP rs551043523, ClinGen allele CA286607833.